The following is an entry in ClinVar:

ClinVar aggregate classification (germline): Uncertain significance (1 of 4 stars; one submission).

Conditions:
NHS-related disorder. Also called: NHS-related condition.

Submission:

PreventionGenetics, part of Exact Sciences
Classification: Uncertain significance for NHS-related condition. Last evaluated: 2025-11-06. Review status: criteria provided, single submitter. Criteria: ACMG Guidelines, 2015. Collection method: clinical testing. Allele origin: germline.
Comment: The NHS c.2432A>T variant is predicted to result in the amino acid substitution p.His811Leu. To our knowledge, this variant has not been reported in the literature or in a large population database (gnomAD), indicating this variant is rare. At this time, the clinical significance of this variant is uncertain due to the absence of conclusive functional and genetic evidence.

NM_001291867.2(NHS):c.2495A>T (p.His832Leu)

Gene: NHS (NHS actin remodeling regulator; plus strand). Cytogenetic location: Xp22.13.
Variant type: single nucleotide variant.
Coding change: c.2495A>T on transcript NM_001291867.2 (MANE Select); coding-DNA position 2495, A replaced by T.
Protein change: p.His832Leu; replaces histidine 832 with leucine.
Molecular consequence: missense variant.
Genome position (GRCh38, 1-based): chrX:17,726,601, A>T. VCF-style: chrX-17726601-A-T. GRCh37 (hg19) VCF-style: chrX-17744721-A-T.
Other names: c.1964A>T, p.His655Leu (NM_001136024.4); c.1901A>T, p.His634Leu (NM_001291868.2); c.2156A>T, p.His719Leu (NM_001440780.1); c.2432A>T, p.His811Leu (NM_198270.4); short protein forms H832L, H655L, H811L, H634L, H719L.
Identifiers: ClinVar variation 4992791 (VCV004992791.1).